The following is an entry in ClinVar:

NM_006080.3(SEMA3A):c.688C>G (p.His230Asp)

Gene: SEMA3A (semaphorin 3A; minus strand). Cytogenetic location: 7q21.11.
Variant type: single nucleotide variant.
Coding change: c.688C>G on transcript NM_006080.3 (MANE Select); coding-DNA position 688, C replaced by G.
Protein change: p.His230Asp; replaces histidine 230 with aspartic acid.
Molecular consequence: missense variant.
Genome position (GRCh38, 1-based): chr7:84,014,331, G>C on the plus strand (C>G on the coding strand, the complement: SEMA3A is on the minus strand). VCF-style: chr7-84014331-G-C. GRCh37 (hg19) VCF-style: chr7-83643647-G-C.
Other names: short protein forms H230D.
Identifiers: ClinVar variation 3348032 (VCV003348032.1).

ClinVar aggregate classification (germline): Uncertain significance (0 of 4 stars; one submission).

Conditions:
SEMA3A-related disorder. Also called: SEMA3A-related condition.

Submission:

PreventionGenetics, part of Exact Sciences
Classification: Uncertain significance for SEMA3A-related condition. Last evaluated: 2024-03-23. Review status: no assertion criteria provided. Collection method: clinical testing. Allele origin: germline.
Comment: The SEMA3A c.688C>G variant is predicted to result in the amino acid substitution p.His230Asp. To our knowledge, this variant has not been reported in the literature or in a large population database, indicating this variant is rare. At this time, the clinical significance of this variant is uncertain due to the absence of conclusive functional and genetic evidence.